The following is an entry in ClinVar:

ClinVar aggregate classification (germline): Likely pathogenic (1 of 4 stars; one submission).

Submission:

Labcorp Genetics (formerly Invitae), Labcorp
Classification: Likely pathogenic. Last evaluated: 2022-11-03. Review status: criteria provided, single submitter. Criteria: Invitae Variant Classification Sherloc (09022015). Collection method: clinical testing. Allele origin: germline.
Comment: This variant results in the deletion of part of exon 9 (c.686_686+3del) of the SCLT1 gene. It is expected to disrupt RNA splicing. Variants that disrupt the donor or acceptor splice site typically lead to a loss of protein function (PMID: 16199547), and loss-of-function variants in SCLT1 are known to be pathogenic (PMID: 28005958). This variant is not present in population databases (gnomAD no frequency). In summary, the currently available evidence indicates that the variant is pathogenic, but additional data are needed to prove that conclusively. Therefore, this variant has been classified as Likely Pathogenic. Algorithms developed to predict the effect of sequence changes on RNA splicing suggest that this variant may disrupt the consensus splice site. ClinVar contains an entry for this variant (Variation ID: 1517250). This variant has been observed in individual(s) with inherited retinal dystrophy (Invitae).

Literature cited by the submitters: PubMed 16199547; PubMed 28005958.

NM_144643.4(SCLT1):c.686_686+3del

Gene: SCLT1 (sodium channel and clathrin linker 1; minus strand). Cytogenetic location: 4q28.2.
Variant type: Deletion.
Coding change: c.686_686+3del on transcript NM_144643.4 (MANE Select); coding-DNA position 686 through 3 bases into the intron after coding-DNA position 686, 4 bases deleted (GGTA; older notation c.686_686+3delGGTA).
Molecular consequence: splice donor variant.
Genome position (GRCh38, 1-based): chr4:128,992,164-128,992,167, TACC deleted on the plus strand (GGTA on the coding strand, the reverse complement: SCLT1 is on the minus strand); deleting any 4 consecutive bases within chr4:128,992,164-128,992,169 gives the same sequence; the c. name uses the placement nearest the transcript's 3' end. VCF-style (leftmost placement, unchanged base first): chr4-128992163-ATACC-A. GRCh37 (hg19) VCF-style: chr4-129913318-ATACC-A.
Identifiers: ClinVar variation 1517250 (VCV001517250.8), dbSNP rs2126069168, ClinGen allele CA2573138056.